The following is an entry in ClinVar:

NM_003072.5(SMARCA4):c.223-239T>C

Gene: SMARCA4 (SWI/SNF related BAF chromatin remodeling complex subunit ATPase 4; plus strand). Cytogenetic location: 19p13.2.
Variant type: single nucleotide variant.
Coding change: c.223-239T>C on transcript NM_003072.5 (MANE Select); 239 bases into the intron before coding-DNA position 223, T replaced by C.
Molecular consequence: intron variant.
Genome position (GRCh38, 1-based): chr19:10,985,034, T>C. VCF-style: chr19-10985034-T-C. GRCh37 (hg19) VCF-style: chr19-11095710-T-C.
Other names: c.223-239T>C (NM_001128844.3, NM_001128849.3, NM_001128847.4 and 5 more transcripts).
Identifiers: ClinVar variation 677094 (VCV000677094.1), dbSNP rs74720709, ClinGen allele CA305286035.

ClinVar aggregate classification (germline): Benign (1 of 4 stars; one submission).

Allele frequency attached by ClinVar (database versions not stated): 1000 Genomes Project 30x 0.07854; 1000 Genomes Project 0.07967; TOPMed 0.09089; gnomAD 0.09481 and 0.09513.
gnomAD v4.1: 14,478 of 152,270 alleles (9.5%); highest among the groups gnomAD compares: South Asian, 11%; 754 homozygotes.

Submission:

GeneDx
Classification: Benign. Last evaluated: 2018-06-16. Review status: criteria provided, single submitter. Criteria: GeneDx Variant Classification (06012015). Collection method: clinical testing. Allele origin: germline. Affected: yes.
Comment: This variant is considered likely benign or benign based on one or more of the following criteria: it is a conservative change, it occurs at a poorly conserved position in the protein, it is predicted to be benign by multiple in silico algorithms, and/or has population frequency not consistent with disease.